The following is an entry in ClinVar:

NM_032043.3(BRIP1):c.3337A>G (p.Lys1113Glu)

Gene: BRIP1 (BRCA1 interacting DNA helicase 1; minus strand). Cytogenetic location: 17q23.2.
Variant type: single nucleotide variant.
Coding change: c.3337A>G on transcript NM_032043.3 (MANE Select); coding-DNA position 3337, A replaced by G.
Protein change: p.Lys1113Glu; replaces lysine 1113 with glutamic acid.
Molecular consequence: missense variant.
Genome position (GRCh38, 1-based): chr17:61,683,709, T>C on the plus strand (A>G on the coding strand, the complement: BRIP1 is on the minus strand). VCF-style: chr17-61683709-T-C. GRCh37 (hg19) VCF-style: chr17-59761070-T-C.
Other names: short protein forms K1113E.
Identifiers: ClinVar variation 955075 (VCV000955075.13), dbSNP rs2061310712, ClinGen allele CA400478952.

ClinVar aggregate classification (germline): Conflicting classifications of pathogenicity. Review status: criteria provided, conflicting classifications (1 of 4 stars). 3 submissions from 3 submitters: Uncertain significance (2); Likely benign (1). Last evaluated 2024-03-06.

Conditions:
Familial cancer of breast. Also called: Hereditary breast cancer; hereditary breast carcinoma; BREAST CANCER, FAMILIAL. Identifiers: Orphanet 227535, MedGen C0346153, MONDO:0016419, OMIM 114480. Disease mechanism: loss of function.
Fanconi anemia complementation group J. Also called: BRIP1-Related Fanconi Anemia. Identifiers: Orphanet 84, MedGen C1836860, MONDO:0012187, OMIM 609054.
Hereditary cancer-predisposing syndrome. Also called: Hereditary neoplastic syndrome; Tumor predisposition; Neoplastic Syndromes, Hereditary; Hereditary Cancer Syndrome. Identifiers: Orphanet 140162, MedGen C0027672, MeSH D009386, MONDO:0015356.

Allele frequency attached by ClinVar (database versions not stated): gnomAD exomes below 0.00001.
gnomAD v4.1: 1 of 1,614,078 alleles (0.000062%); highest among the groups gnomAD compares: Non-Finnish European, 0.000085%; no homozygotes.

Submissions (3):

Color Diagnostics, LLC DBA Color Health
Classification: Uncertain significance for Hereditary cancer-predisposing syndrome. Last evaluated: 2024-03-06. Review status: criteria provided, single submitter. Criteria: ACMG Guidelines, 2015. Collection method: clinical testing. Allele origin: germline.
Comment: This missense variant replaces lysine with glutamic acid at codon 1113 of the BRIP1 protein. Computational prediction suggests that this variant may not impact protein structure and function (internally defined REVEL score threshold <= 0.5, PMID: 27666373). To our knowledge, functional studies have not been reported for this variant. This variant has not been reported in individuals affected with BRIP1-related disorders in the literature. This variant has not been identified in the general population by the Genome Aggregation Database (gnomAD). The available evidence is insufficient to determine the role of this variant in disease conclusively. Therefore, this variant is classified as a Variant of Uncertain Significance.

Labcorp Genetics (formerly Invitae), Labcorp
Classification: Uncertain significance for Familial cancer of breast; Fanconi anemia complementation group J. Last evaluated: 2023-11-29. Review status: criteria provided, single submitter. Criteria: Invitae Variant Classification Sherloc (09022015). Collection method: clinical testing. Allele origin: germline.
Comment: This sequence change replaces lysine, which is basic and polar, with glutamic acid, which is acidic and polar, at codon 1113 of the BRIP1 protein (p.Lys1113Glu). This variant is not present in population databases (gnomAD no frequency). This variant has not been reported in the literature in individuals affected with BRIP1-related conditions. ClinVar contains an entry for this variant (Variation ID: 955075). Algorithms developed to predict the effect of missense changes on protein structure and function output the following: SIFT: "Not Available"; PolyPhen-2: "Benign"; Align-GVGD: "Not Available". The glutamic acid amino acid residue is found in multiple mammalian species, which suggests that this missense change does not adversely affect protein function. In summary, the available evidence is currently insufficient to determine the role of this variant in disease. Therefore, it has been classified as a Variant of Uncertain Significance.

Ambry Genetics
Classification: Likely benign for Hereditary cancer-predisposing syndrome. Last evaluated: 2022-03-17. Review status: criteria provided, single submitter. Criteria: Ambry Variant Classification Scheme 2023. Collection method: clinical testing. Allele origin: germline.